The following is an entry in ClinVar:

NM_004304.5(ALK):c.2519T>G (p.Ile840Ser)

Gene: ALK (ALK receptor tyrosine kinase; minus strand). Cytogenetic location: 2p23.2.
Variant type: single nucleotide variant.
Coding change: c.2519T>G on transcript NM_004304.5 (MANE Select); coding-DNA position 2519, T replaced by G.
Protein change: p.Ile840Ser; replaces isoleucine 840 with serine.
Molecular consequence: missense variant.
Genome position (GRCh38, 1-based): chr2:29,232,417, A>C on the plus strand (T>G on the coding strand, the complement: ALK is on the minus strand). VCF-style: chr2-29232417-A-C. GRCh37 (hg19) VCF-style: chr2-29455283-A-C.
Other names: short protein forms I840S.
Identifiers: ClinVar variation 4271566 (VCV004271566.1).
Genomic context (GRCh38, chr2:29,232,417, plus strand): 5'-CTCTCTGGGTGGAACGTGTCTGTCTTGGCCCCGTAGGCCCTGCCACCACCTCCGGCTGCA[A>C]TGATCAGGGGCACCGGCACTCCATCCTTCATCTGACCAGGGGAGACATTCAGACATTGAG-3'
Protein context (NP_004295.2, residues 830-850): MKDGVPVPLI[Ile840Ser]AAGGGGRAYG

ClinVar aggregate classification (germline): Uncertain significance (1 of 4 stars; one submission).

Conditions:
Hereditary cancer-predisposing syndrome. Also called: Hereditary Cancer Syndrome; Hereditary neoplastic syndrome; Neoplastic Syndromes, Hereditary; Tumor predisposition. Identifiers: Orphanet 140162, MedGen C0027672, MeSH D009386, MONDO:0015356.

gnomAD v4.1: 1 of 1,614,184 alleles (0.000062%); highest among the groups gnomAD compares: Middle Eastern, 0.016%; no homozygotes.

Submission:

Ambry Genetics
Classification: Uncertain significance for Hereditary cancer-predisposing syndrome. Last evaluated: 2025-08-02. Review status: criteria provided, single submitter. Criteria: Ambry Variant Classification Scheme 2023. Collection method: clinical testing. Allele origin: germline.
Comment: The p.I840S variant (also known as c.2519T>G), located in coding exon 15 of the ALK gene, results from a T to G substitution at nucleotide position 2519. The isoleucine at codon 840 is replaced by serine, an amino acid with dissimilar properties. This amino acid position is conserved. In addition, the in silico prediction for this alteration is inconclusive. Based on the available evidence, the clinical significance of this variant remains unclear.